The following is an entry in ClinVar:

NM_178857.6(RP1L1):c.501A>G (p.Thr167=)

Gene: RP1L1 (RP1 like 1). Cytogenetic location: 8p23.1.
Variant type: single nucleotide variant.
Coding change: c.501A>G on transcript NM_178857.6 (MANE Select); coding-DNA position 501, A replaced by G.
Protein change: p.Thr167=; no amino-acid change (threonine 167 retained).
Molecular consequence: synonymous variant.
Genome position (GRCh38, 1-based): chr8:10,622,701, T>C on the plus strand (A>G on the coding strand, the complement: RP1L1 is on the minus strand). VCF-style: chr8-10622701-T-C. GRCh37 (hg19) VCF-style: chr8-10480211-T-C.
Identifiers: ClinVar variation 361405 (VCV000361405.16), dbSNP rs79329877, ClinGen allele CA4625665.

ClinVar aggregate classification (germline): Benign. Review status: criteria provided, multiple submitters, no conflicts (2 of 4 stars). 4 submissions from 4 submitters: Benign (4). Last evaluated 2026-02-03.

Conditions:
Occult macular dystrophy (OCMD). Also called: OCCULT MACULAR DYSTROPHY, SUSCEPTIBILITY TO; OMD. Identifiers: Orphanet 247834, MedGen C3150833, MONDO:0013316, OMIM 613587, HP:0030636.
Retinal dystrophy. Also called: Inherited retinal dystrophy. Identifiers: Orphanet 71862, MedGen C0854723, MeSH D058499, MONDO:0019118, HP:0000556.

Allele frequency attached by ClinVar (database versions not stated): ESP Exome Variant Server 0.00139; gnomAD 0.01208 and 0.01321; TOPMed 0.01531; ExAC 0.02168; 1000 Genomes Project 30x 0.02514; 1000 Genomes Project 0.02616; gnomAD exomes 0.02682.
gnomAD v4.1: 13,853 of 1,614,146 alleles (0.86%); highest among the groups gnomAD compares: Admixed American, 12%; 808 homozygotes.

Submissions (9):

Labcorp Genetics (formerly Invitae), Labcorp
Classification: Benign. Last evaluated: 2026-02-03. Review status: criteria provided, single submitter. Criteria: Invitae Variant Classification Sherloc (09022015). Collection method: clinical testing. Allele origin: germline.

Dept Of Ophthalmology, Nagoya University
Classification: Benign for Retinal dystrophy. Last evaluated: 2023-10-01. Review status: criteria provided, single submitter. Criteria: Submitter's publication. Collection method: research. Allele origin: germline. Affected: yes.

Illumina Laboratory Services, Illumina
Classification: Benign for Occult macular dystrophy. Last evaluated: 2018-01-13. Review status: criteria provided, single submitter. Criteria: ICSL Variant Classification Criteria 13 December 2019. Collection method: clinical testing. Allele origin: germline.
Comment: This variant was observed in the ICSL laboratory as part of a predisposition screen in an ostensibly healthy population. It had not been previously curated by ICSL or reported in the Human Gene Mutation Database (HGMD: prior to June 1st, 2018), and was therefore a candidate for classification through an automated scoring system. Utilizing variant allele frequency, disease prevalence and penetrance estimates, and inheritance mode, an automated score was calculated to assess if this variant is too frequent to cause the disease. Based on the score and internal cut-off values, a variant classified as benign is not then subjected to further curation. The score for this variant resulted in a classification of benign for this disease.

Breakthrough Genomics
Classification: Benign. Review status: criteria provided, single submitter. Criteria: ACMG Guidelines, 2015. Collection method: not provided. Allele origin: germline. Inheritance: Autosomal recessive inheritance. Affected: yes.

Dr. Peter K. Rogan Lab, Western University
No classification provided (evidence only). Condition: Clear cell carcinoma of kidney. Review status: no classification provided. Collection method: in vitro. Allele origin: not applicable. Functional consequence: retained intron. Not counted in ClinVar's aggregate classification.

Dr. Peter K. Rogan Lab, Western University
No classification provided (evidence only). Condition: Cervical cancer. Review status: no classification provided. Collection method: in vitro. Allele origin: not applicable. Functional consequence: retained intron. Not counted in ClinVar's aggregate classification.

Dr. Peter K. Rogan Lab, Western University
No classification provided (evidence only). Condition: Cervical cancer. Review status: no classification provided. Collection method: in vitro. Allele origin: not applicable. Functional consequence: retained intron. Not counted in ClinVar's aggregate classification.

Dr. Peter K. Rogan Lab, Western University
No classification provided (evidence only). Condition: Thymoma. Review status: no classification provided. Collection method: in vitro. Allele origin: not applicable. Functional consequence: retained intron. Not counted in ClinVar's aggregate classification.

Dr. Peter K. Rogan Lab, Western University
No classification provided (evidence only). Condition: Malignant tumor of esophagus. Review status: no classification provided. Collection method: in vitro. Allele origin: not applicable. Functional consequence: retained intron. Not counted in ClinVar's aggregate classification.